The following is an entry in ClinVar:

NM_003742.4(ABCB11):c.713G>T (p.Gly238Val)

Gene: ABCB11 (ATP binding cassette subfamily B member 11; minus strand). Cytogenetic location: 2q31.1.
Variant type: single nucleotide variant.
Coding change: c.713G>T on transcript NM_003742.4 (MANE Select); coding-DNA position 713, G replaced by T.
Protein change: p.Gly238Val; replaces glycine 238 with valine.
Molecular consequence: missense variant.
Genome position (GRCh38, 1-based): chr2:168,993,781, C>A on the plus strand (G>T on the coding strand, the complement: ABCB11 is on the minus strand). VCF-style: chr2-168993781-C-A. GRCh37 (hg19) VCF-style: chr2-169850291-C-A.
Other names: short protein forms G238V.
Identifiers: ClinVar variation 2679702 (VCV002679702.2), dbSNP rs72551306, ClinGen allele CA59897099.

ClinVar aggregate classification (germline): Conflicting classifications of pathogenicity. Review status: criteria provided, conflicting classifications (1 of 4 stars). 2 submissions from 2 submitters: Likely pathogenic (1); Uncertain significance (1). Last evaluated 2026-04-14.

Conditions:
Benign recurrent intrahepatic cholestasis type 2 (BRIC2). Also called: Recurrent familial intrahepatic cholestasis 2. Identifiers: Orphanet 65682, Orphanet 99961, MedGen C2608083, MONDO:0011559, OMIM 605479.
Familial intrahepatic cholestasis. Identifiers: Orphanet 284385, MedGen CN296401, MONDO:0017290.

Submissions (2):

Genomenon, Inc
Classification: Uncertain significance for Familial intrahepatic cholestasis. Last evaluated: 2026-04-14. Review status: criteria provided, single submitter. Criteria: Genomenon Sequence Variant Interpretation Standards - Updated. Collection method: curation. Allele origin: germline. Affected: yes.
Comment: ABCB11 p.Gly238Val (c.713G>T) is a missense variant that changes the amino acid at residue 238 from Glycine to Valine. This variant has been observed in at least one proband with an ABCB11-related disorder (PMID:10579978;20232290). Functional studies have been reported (PMID:18798335;12370274). At least one splicing study demonstrated no effect on splicing (PMID:19101985). It is absent or not present at a significant frequency in gnomAD. In silico models predict that this variant is possibly or probably damaging. In conclusion, we classify ABCB11 p.Gly238Val (c.713G>T) as a variant of uncertain significance.

Baylor Genetics
Classification: Likely pathogenic for Benign recurrent intrahepatic cholestasis type 2. Last evaluated: 2023-09-21. Review status: criteria provided, single submitter. Criteria: ACMG Guidelines, 2015. Collection method: clinical testing. Allele origin: unknown.

Literature cited by the submitters: PubMed 10579978 (cited by Genomenon, Inc); PubMed 20232290 (cited by Genomenon, Inc); PubMed 18798335 (cited by Genomenon, Inc); PubMed 12370274 (cited by Genomenon, Inc); PubMed 19101985 (cited by Genomenon, Inc).